The following is an entry in ClinVar:

ClinVar aggregate classification (germline): Pathogenic (1 of 4 stars; one submission).

Submission:

Quest Diagnostics Nichols Institute San Juan Capistrano
Classification: Pathogenic. Last evaluated: 2022-04-21. Review status: criteria provided, single submitter. Criteria: ACMG/ClinGen CNV Guidelines, 2019. Collection method: clinical testing. Allele origin: unknown.
Comment: The copy number gain of 8p23.1 involves multiple genes and is expected to cause variable phenotypic and/or developmental abnormalities described in 8p23.1 duplication syndrome. This syndrome is associated with mild or moderate developmental delays and/or learning difficulties, a variable degree of mild dysmorphism, congenital heart disease, behavioral problems, cleft lip and/or palate, macrocephaly, and seizures, neonatal respiratory distress, attention deficit hyperactivity disorder (ADHD), ocular anomalies, balance problems, hypotonia, and hydrocele. The phenotypic features of this syndrome are related to five genes present in this duplication including SOX7 (612202), GATA4 (600576), TNKS (603303), MIR124-1, and MIR598. The SOX7 gene is a strong candidate for intellectual disability and dysmorphism as well as a potential modifier of congenital heart defects (Barber et al Am J Med Genet A. 2015 Sep;167A(9):2052-64. PMID: 26097203; Weber et al. Mol Cytogenet. 2014 Dec 9;7(1):94. PMID: 25520754).

GRCh37/hg19 8p23.1(chr8:8119295-11765719)x3

Genes: BLK (BLK proto-oncogene, Src family tyrosine kinase), C8orf74 (chromosome 8 open reading frame 74), PINX1 (PIN2 (TERF1) interacting telomerase inhibitor 1), PPP1R3B (protein phosphatase 1 regulatory subunit 3B), CLDN23 (claudin 23) and 17 more. Cytogenetic location: 8p23.1.
Variant type: copy number gain.
Change: copy number 3 (three copies instead of two) of chr8:8,119,295-11,765,719 (3.65 Mb, GRCh37 coordinates, 1-based), cytogenetic band 8p23.1.
Identifiers: ClinVar variation 563536 (VCV000563536.2).